The following is an entry in ClinVar:

ClinVar aggregate classification (germline): Uncertain significance. Review status: criteria provided, multiple submitters, no conflicts (2 of 4 stars). 2 submissions from 2 submitters: Uncertain significance (2). Last evaluated 2022-09-25.

Allele frequency attached by ClinVar (database versions not stated): gnomAD 0.00001; gnomAD exomes 0.00001; TOPMed 0.00002; ExAC 0.00003.
gnomAD v4.1: 9 of 1,205,059 alleles (0.00075%); highest among the groups gnomAD compares: Admixed American, 0.0022%; no homozygotes.

Submissions (2):

Labcorp Genetics (formerly Invitae), Labcorp
Classification: Uncertain significance. Last evaluated: 2022-09-25. Review status: criteria provided, single submitter. Criteria: Invitae Variant Classification Sherloc (09022015). Collection method: clinical testing. Allele origin: germline.
Comment: This sequence change affects codon 123 of the BRWD3 mRNA. It is a 'silent' change, meaning that it does not change the encoded amino acid sequence of the BRWD3 protein. The frequency data for this variant in the population databases is considered unreliable, as metrics indicate poor data quality at this position in the gnomAD database. This variant has not been reported in the literature in individuals affected with BRWD3-related conditions. ClinVar contains an entry for this variant (Variation ID: 1336190). Algorithms developed to predict the effect of sequence changes on RNA splicing suggest that this variant may create or strengthen a splice site. In summary, the available evidence is currently insufficient to determine the role of this variant in disease. Therefore, it has been classified as a Variant of Uncertain Significance.

Genetic Services Laboratory, University of Chicago
Classification: Uncertain significance. Last evaluated: 2018-04-13. Review status: criteria provided, single submitter. Criteria: ACMG Guidelines, 2015. Collection method: clinical testing. Allele origin: germline. Affected: no.

NM_153252.5(BRWD3):c.369G>A (p.Ala123=)

Gene: BRWD3 (bromodomain and WD repeat domain containing 3; minus strand). Cytogenetic location: Xq21.1.
Variant type: single nucleotide variant.
Coding change: c.369G>A on transcript NM_153252.5 (MANE Select); coding-DNA position 369, G replaced by A.
Protein change: p.Ala123=; no amino-acid change (alanine 123 retained).
Molecular consequence: synonymous variant.
Genome position (GRCh38, 1-based): chrX:80,791,915, C>T on the plus strand (G>A on the coding strand, the complement: BRWD3 is on the minus strand). VCF-style: chrX-80791915-C-T. GRCh37 (hg19) VCF-style: chrX-80047414-C-T.
Identifiers: ClinVar variation 1336190 (VCV001336190.8), dbSNP rs751581469, ClinGen allele CA10462378.